The following is an entry in ClinVar:

NM_000548.5(TSC2):c.5244G>C (p.Lys1748Asn)

Gene: TSC2 (TSC complex subunit 2; plus strand). Cytogenetic location: 16p13.3.
Variant type: single nucleotide variant.
Coding change: c.5244G>C on transcript NM_000548.5 (MANE Select); coding-DNA position 5244, G replaced by C.
Protein change: p.Lys1748Asn; replaces lysine 1748 with asparagine.
Molecular consequence: missense variant. On other transcripts: non-coding transcript variant (5).
Genome position (GRCh38, 1-based): chr16:2,088,310, G>C. VCF-style: chr16-2088310-G-C. GRCh37 (hg19) VCF-style: chr16-2138311-G-C.
Other names: c.5043G>C, p.Lys1681Asn (NM_001077183.3); c.5175G>C, p.Lys1725Asn (NM_001114382.3); c.4935G>C, p.Lys1645Asn (NM_001318827.2); c.4899G>C, p.Lys1633Asn (NM_001318829.2); c.4512G>C, p.Lys1504Asn (NM_001318831.2); c.5076G>C, p.Lys1692Asn (NM_001318832.2); c.5046G>C, p.Lys1682Asn (NM_001363528.2); c.5112G>C, p.Lys1704Asn (NM_001370404.1); and 27 more; short protein forms K1277N, K1504N, K1525N, K1644N, K1645N, K1675N, K1701N, K1704N.
Identifiers: ClinVar variation 5031351 (VCV005031351.1).

ClinVar aggregate classification (germline): Uncertain significance (1 of 4 stars; one submission).

Conditions:
Hereditary cancer-predisposing syndrome. Also called: Neoplastic Syndromes, Hereditary; Tumor predisposition; Hereditary neoplastic syndrome; Hereditary Cancer Syndrome. Identifiers: Orphanet 140162, MedGen C0027672, MeSH D009386, MONDO:0015356.

Submission:

Ambry Genetics
Classification: Uncertain significance for Hereditary cancer-predisposing syndrome. Last evaluated: 2026-07-07. Review status: criteria provided, single submitter. Criteria: Ambry Variant Classification Scheme 2023. Collection method: clinical testing. Allele origin: germline.
Comment: The p.K1748N variant (also known as c.5244G>C), located in coding exon 40 of the TSC2 gene, results from a G to C substitution at nucleotide position 5244. The lysine at codon 1748 is replaced by asparagine, an amino acid with similar properties. This amino acid position is conserved. In addition, the in silico prediction for this alteration is inconclusive. Based on the available evidence, the clinical significance of this variant remains unclear.